The following is an entry in ClinVar:

NM_014927.5(CNKSR2):c.1811dup (p.Tyr604Ter)

Gene: CNKSR2 (connector enhancer of kinase suppressor of Ras 2; plus strand). Cytogenetic location: Xp22.12.
Variant type: Duplication.
Coding change: c.1811dup on transcript NM_014927.5 (MANE Select); coding-DNA position 1811, one base duplicated (A; older notation c.1811dupA).
Protein change: p.Tyr604Ter; replaces tyrosine 604 with a stop codon.
Molecular consequence: nonsense.
Genome position (GRCh38, 1-based): chrX:21,591,175, A duplicated. VCF-style (leftmost placement, unchanged base first): chrX-21591174-T-TA. GRCh37 (hg19) VCF-style: chrX-21609292-T-TA.
Other names: c.1721dup, p.Tyr574Ter (NM_001168647.3, NM_001330773.2); c.1811dup, p.Tyr604Ter (NM_001168648.3); c.1664dup, p.Tyr555Ter (NM_001168649.3, NM_001330770.2); c.1574dup, p.Tyr525Ter (NM_001330771.2, NM_001330772.2); short protein forms Y574*, Y604*, Y555*, Y525*.
Identifiers: ClinVar variation 5007692 (VCV005007692.1).
Genomic context (GRCh38, chrX:21,591,174, plus strand): 5'-AAGAGTTACTTTTCACAGAAATGGAAAAAATATTGGTTTGTCCTAAAGGATGCATCCCTT[T>TA]ATTGGTATATTAATGAGGAGGTAAGATAAAGCACCTTTTGTTTTCTCATCCATTCTCTAT-3'

ClinVar aggregate classification (germline): Likely pathogenic (1 of 4 stars; one submission).

Conditions:
Intellectual developmental disorder, X-linked, syndromic, Houge type. Also called: MENTAL RETARDATION, X-LINKED, SYNDROMIC, HOUGE TYPE; Intellectual disability, X-linked, syndromic, Houge type. Identifiers: MedGen C4538788, MONDO:0030909, OMIM 301008.

Submission:

Juno Genomics, Hangzhou Juno Genomics, Inc
Classification: Likely pathogenic for Intellectual developmental disorder, X-linked, syndromic, Houge type. Review status: criteria provided, single submitter. Criteria: ACMG Guidelines, 2015. Collection method: clinical testing. Allele origin: germline. Affected: yes.
Comment: Absent from controls (or at extremely low frequency if recessive) in Genome Aggregation Database.;Null variant in a gene where loss of function (LOF) is a known mechanism of disease.